The following is an entry in ClinVar:

NM_000101.4(CYBA):c.166del (p.Arg56fs)

Gene: CYBA (cytochrome b-245 alpha chain; minus strand). Cytogenetic location: 16q24.2.
Variant type: Deletion.
Coding change: c.166del on transcript NM_000101.4 (MANE Select); coding-DNA position 166, one base deleted (C; older notation c.166delC).
Protein change: p.Arg56fs; shifts the reading frame from arginine 56.
Molecular consequence: frameshift variant.
Genome position (GRCh38, 1-based): chr16:88,647,138, G deleted on the plus strand (C on the coding strand, the reverse complement: CYBA is on the minus strand); the first of 5 consecutive G bases (chr16:88,647,138-88,647,142); deleting any one gives the same sequence. VCF-style (leftmost placement, unchanged base first): chr16-88647137-CG-C. GRCh37 (hg19) VCF-style: chr16-88713545-CG-C.
Other names: short protein forms R56fs.
Identifiers: ClinVar variation 661264 (VCV000661264.9), dbSNP rs1352931329, ClinGen allele CA915949381.
Genomic context (GRCh38, chr16:88,647,137, plus strand): 5'-ACCCCAGAGCAGGAGGAGACTCACCAGCGCTCCATGGTGGAGCCCTTCTTCCTCTTCCCC[CG>C]GGGGTACTCCAGCAGGCACACAAACACGCCCGCCACACTGAAGCCATGTGGTTAAGGAAC-3'

ClinVar aggregate classification (germline): Pathogenic/Likely pathogenic. Review status: criteria provided, multiple submitters, no conflicts (2 of 4 stars). 2 submissions from 2 submitters: Pathogenic (1); Likely pathogenic (1). Last evaluated 2022-09-11.

Conditions:
Granulomatous disease, chronic, autosomal recessive, cytochrome b-negative. Also called: GRANULOMATOUS DISEASE, CHRONIC, AUTOSOMAL RECESSIVE, 4; CGD DUE TO DEFICIENCY OF THE ALPHA SUBUNIT OF CYTOCHROME b; CGD, AUTOSOMAL RECESSIVE CYTOCHROME b-NEGATIVE; CYBA DEFICIENCY; Chronic granulomatous disease, autosomal, due to deficiency of CYBA. Identifiers: Orphanet 379, MedGen C1856255, MONDO:0009308, OMIM 233690.

Submissions (2):

Revvity Omics, Revvity
Classification: Likely pathogenic for Granulomatous disease, chronic, autosomal recessive, cytochrome b-negative. Last evaluated: 2022-09-11. Review status: criteria provided, single submitter. Criteria: ACMG Guidelines, 2015. Collection method: clinical testing. Allele origin: germline.

Labcorp Genetics (formerly Invitae), Labcorp
Classification: Pathogenic for Granulomatous disease, chronic, autosomal recessive, cytochrome b-negative. Last evaluated: 2018-12-11. Review status: criteria provided, single submitter. Criteria: Invitae Variant Classification Sherloc (09022015). Collection method: clinical testing. Allele origin: germline.
Comment: For these reasons, this variant has been classified as Pathogenic. Loss-of-function variants in CYBA are known to be pathogenic (PMID: 10910929, 20167518, 22876374). This variant has not been reported in the literature in individuals with CYBA-related conditions. This variant is not present in population databases (ExAC no frequency). This sequence change creates a premature translational stop signal (p.Arg56Glyfs*18) in the CYBA gene. It is expected to result in an absent or disrupted protein product.

Literature cited by the submitters: PubMed 10910929 (cited by Labcorp Genetics (formerly Invitae), Labcorp); PubMed 20167518 (cited by Labcorp Genetics (formerly Invitae), Labcorp); PubMed 22876374 (cited by Labcorp Genetics (formerly Invitae), Labcorp).